The following is an entry in ClinVar:

NM_006214.4(PHYH):c.641A>T (p.Lys214Met)

Gene: PHYH (phytanoyl-CoA 2-hydroxylase; minus strand). Cytogenetic location: 10p13.
Variant type: single nucleotide variant.
Coding change: c.641A>T on transcript NM_006214.4 (MANE Select); coding-DNA position 641, A replaced by T.
Protein change: p.Lys214Met; replaces lysine 214 with methionine.
Molecular consequence: missense variant. On other transcripts: intron variant (1).
Genome position (GRCh38, 1-based): chr10:13,288,397, T>A on the plus strand (A>T on the coding strand, the complement: PHYH is on the minus strand). VCF-style: chr10-13288397-T-A. GRCh37 (hg19) VCF-style: chr10-13330397-T-A.
Other names: c.341A>T, p.Lys114Met (NM_001037537.2, NM_001323080.2); c.647A>T, p.Lys216Met (NM_001323082.2); c.347A>T, p.Lys116Met (NM_001323084.2); c.415-4558A>T (NM_001323083.2); short protein forms K214M, K116M, K114M, K216M.
Identifiers: ClinVar variation 2007197 (VCV002007197.4), dbSNP rs763972214, ClinGen allele CA203279609.

ClinVar aggregate classification (germline): Uncertain significance (1 of 4 stars; one submission).

Allele frequency attached by ClinVar (database versions not stated): gnomAD exomes below 0.00001.
gnomAD v4.1: 1 of 1,614,116 alleles (0.000062%); highest among the groups gnomAD compares: Non-Finnish European, 0.000085%; no homozygotes.

Submission:

Labcorp Genetics (formerly Invitae), Labcorp
Classification: Uncertain significance. Last evaluated: 2022-06-15. Review status: criteria provided, single submitter. Criteria: Invitae Variant Classification Sherloc (09022015). Collection method: clinical testing. Allele origin: germline.
Comment: This sequence change replaces lysine, which is basic and polar, with methionine, which is neutral and non-polar, at codon 214 of the PHYH protein (p.Lys214Met). This variant is not present in population databases (gnomAD no frequency). This variant has not been reported in the literature in individuals affected with PHYH-related conditions. Algorithms developed to predict the effect of missense changes on protein structure and function are either unavailable or do not agree on the potential impact of this missense change (SIFT: "Deleterious"; PolyPhen-2: "Possibly Damaging"; Align-GVGD: "Class C0"). In summary, the available evidence is currently insufficient to determine the role of this variant in disease. Therefore, it has been classified as a Variant of Uncertain Significance.